The following is an entry in ClinVar:

NM_001374353.1(GLI2):c.*1826T>G

Gene: GLI2 (GLI family zinc finger 2; plus strand). Cytogenetic location: 2q14.2.
Variant type: single nucleotide variant.
Coding change: c.*1826T>G on transcript NM_001374353.1 (MANE Select); 1826 bases downstream of the stop codon, T replaced by G.
Molecular consequence: 3 prime UTR variant.
Genome position (GRCh38, 1-based): chr2:120,992,501, T>G. VCF-style: chr2-120992501-T-G. GRCh37 (hg19) VCF-style: chr2-121750077-T-G.
Other names: c.*1826T>G (NM_001371271.1, NM_001374354.1, NM_005270.5).
Identifiers: ClinVar variation 331028 (VCV000331028.30), dbSNP rs139459477, ClinGen allele CA10610709.

ClinVar aggregate classification (germline): Benign. Review status: criteria provided, multiple submitters, no conflicts (2 of 4 stars). 3 submissions from 3 submitters: Benign (3). Last evaluated 2023-05-01.

Conditions:
Holoprosencephaly 9 (HPE9). Also called: PITUITARY ANOMALIES WITH HOLOPROSENCEPHALY-LIKE FEATURES; HOLOPROSENCEPHALY WITH MICROPHTHALMIA AND FIRST BRANCHIAL ARCH ANOMALIES. Identifiers: Orphanet 2162, MedGen C1835819, MONDO:0012563, OMIM 610829.

Allele frequency attached by ClinVar (database versions not stated): 1000 Genomes Project 0.00379; 1000 Genomes Project 30x 0.00468; TOPMed 0.00738; gnomAD 0.00821 and 0.00827.

Submissions (3):

CeGaT Center for Human Genetics Tuebingen
Classification: Benign. Last evaluated: 2023-05-01. Review status: criteria provided, single submitter. Criteria: CeGaT Center For Human Genetics Tuebingen Variant Classification Criteria Version 2. Collection method: clinical testing. Allele origin: germline. Affected: yes. Observed: 11 variant alleles.
Comment: GLI2: BS1, BS2

Illumina Laboratory Services, Illumina
Classification: Benign for Holoprosencephaly 9. Last evaluated: 2018-01-12. Review status: criteria provided, single submitter. Criteria: ICSL Variant Classification Criteria 13 December 2019. Collection method: clinical testing. Allele origin: germline.
Comment: This variant was observed in the ICSL laboratory as part of a predisposition screen in an ostensibly healthy population. It had not been previously curated by ICSL or reported in the Human Gene Mutation Database (HGMD: prior to June 1st, 2018), and was therefore a candidate for classification through an automated scoring system. Utilizing variant allele frequency, disease prevalence and penetrance estimates, and inheritance mode, an automated score was calculated to assess if this variant is too frequent to cause the disease. Based on the score and internal cut-off values, a variant classified as benign is not then subjected to further curation. The score for this variant resulted in a classification of benign for this disease.

Breakthrough Genomics
Classification: Benign. Review status: criteria provided, single submitter. Criteria: ACMG Guidelines, 2015. Collection method: not provided. Allele origin: germline. Inheritance: Autosomal dominant inheritance. Affected: yes.